The following is an entry in ClinVar:

NM_005591.4(MRE11):c.2025G>T (p.Met675Ile)

Gene: MRE11 (MRE11 double strand break repair nuclease; minus strand). Cytogenetic location: 11q21.
Variant type: single nucleotide variant.
Coding change: c.2025G>T on transcript NM_005591.4 (MANE Select); coding-DNA position 2025, G replaced by T.
Protein change: p.Met675Ile; replaces methionine 675 with isoleucine.
Molecular consequence: missense variant.
Genome position (GRCh38, 1-based): chr11:94,429,956, C>A on the plus strand (G>T on the coding strand, the complement: MRE11 is on the minus strand). VCF-style: chr11-94429956-C-A. GRCh37 (hg19) VCF-style: chr11-94163122-C-A.
Other names: c.2022G>T, p.Met674Ile (NM_001330347.2); c.1941G>T, p.Met647Ile (NM_005590.4); short protein forms M647I, M675I, M674I.
Identifiers: ClinVar variation 2813145 (VCV002813145.3), dbSNP rs2496165995, ClinGen allele CA382373521.
Genomic context (GRCh38, chr11:94,429,956, plus strand): 5'-ATATTACTTATTTACCTCACTTGATTCAAAATCAACCCCTTTCGATACTTGACTCTGGGA[C>A]ATGATTTTGCTGGATGATGTGCTGGACCACCTGAGGCAAAACAAAAACAAAAACAAACAC-3'
Protein context (NP_005582.1, residues 665-685): RWSSTSSSKI[Met675Ile]SQSQVSKGVD

ClinVar aggregate classification (germline): Uncertain significance (1 of 4 stars; one submission).

Conditions:
Ataxia-telangiectasia-like disorder (ATLD). Identifiers: MedGen C1858391, MONDO:0011457.

Submission:

Labcorp Genetics (formerly Invitae), Labcorp
Classification: Uncertain significance for Ataxia-telangiectasia-like disorder. Last evaluated: 2022-11-09. Review status: criteria provided, single submitter. Criteria: Invitae Variant Classification Sherloc (09022015). Collection method: clinical testing. Allele origin: germline.
Comment: This sequence change replaces methionine, which is neutral and non-polar, with isoleucine, which is neutral and non-polar, at codon 675 of the MRE11 protein (p.Met675Ile). This variant is not present in population databases (gnomAD no frequency). This variant has not been reported in the literature in individuals affected with MRE11-related conditions. Algorithms developed to predict the effect of missense changes on protein structure and function output the following: SIFT: "Tolerated"; PolyPhen-2: "Benign"; Align-GVGD: "Class C0". The isoleucine amino acid residue is found in multiple mammalian species, which suggests that this missense change does not adversely affect protein function. In summary, the available evidence is currently insufficient to determine the role of this variant in disease. Therefore, it has been classified as a Variant of Uncertain Significance.